The following is an entry in ClinVar:

ClinVar aggregate classification (germline): Likely benign. Review status: criteria provided, single submitter (1 of 4 stars). 2 submissions from 2 submitters: Likely benign (1). 1 of the submissions does not count toward it. Last evaluated 2021-08-02.

Conditions:
TMEM94-related disorder. Also called: TMEM94-related condition.
Inborn genetic diseases. Identifiers: MedGen C0950123, MeSH D030342.

Allele frequency attached by ClinVar (database versions not stated): 1000 Genomes Project 0.00020; 1000 Genomes Project 30x 0.00031; ESP Exome Variant Server 0.00031.
gnomAD v4.1: 131 of 1,614,196 alleles (0.0081%); highest among the groups gnomAD compares: African/African-American, 0.16%; no homozygotes.

Submissions (2):

Ambry Genetics
Classification: Likely benign for Inborn genetic diseases. Last evaluated: 2021-08-02. Review status: criteria provided, single submitter. Criteria: Ambry Variant Classification Scheme 2023. Collection method: clinical testing. Allele origin: germline.

PreventionGenetics, part of Exact Sciences
Classification: Likely benign for TMEM94-related condition. Last evaluated: 2022-10-31. Review status: no assertion criteria provided. Collection method: clinical testing. Allele origin: germline. Not counted in ClinVar's aggregate classification.
Comment: This variant is classified as likely benign based on ACMG/AMP sequence variant interpretation guidelines (Richards et al. 2015 PMID: 25741868, with internal and published modifications).

NM_014738.6(TMEM94):c.365G>T (p.Arg122Leu)

Gene: TMEM94 (transmembrane protein 94; plus strand). Cytogenetic location: 17q25.1.
Variant type: single nucleotide variant.
Coding change: c.365G>T on transcript NM_014738.6 (MANE Select); coding-DNA position 365, G replaced by T.
Protein change: p.Arg122Leu; replaces arginine 122 with leucine.
Molecular consequence: missense variant.
Genome position (GRCh38, 1-based): chr17:75,486,382, G>T. VCF-style: chr17-75486382-G-T. GRCh37 (hg19) VCF-style: chr17-73482463-G-T.
Other names: c.395G>T, p.Arg132Leu (NM_001321148.2, NM_001351203.2); c.365G>T, p.Arg122Leu (NM_001321149.2, NM_001351202.2); c.365G>T (NM_014738.5); short protein forms R132L, R122L.
Identifiers: ClinVar variation 2383287 (VCV002383287.4), dbSNP rs143448418, ClinGen allele CA8761438.